The following is an entry in ClinVar:

NM_018662.3(DISC1):c.1295C>T (p.Pro432Leu)

Genes: DISC1 (DISC1 scaffold protein; plus strand), TSNAX-DISC1 (TSNAX-DISC1 readthrough (NMD candidate); plus strand). Cytogenetic location: 1q42.2.
Variant type: single nucleotide variant.
Coding change: c.1295C>T on transcript NM_018662.3 (MANE Select); coding-DNA position 1295, C replaced by T.
Protein change: p.Pro432Leu; replaces proline 432 with leucine.
Molecular consequence: missense variant. On other transcripts: non-coding transcript variant (6), intron variant (1).
Genome position (GRCh38, 1-based): chr1:231,767,166, C>T. VCF-style: chr1-231767166-C-T. GRCh37 (hg19) VCF-style: chr1-231902912-C-T.
Other names: c.1295C>T, p.Pro432Leu (NM_001012957.2, NM_001012959.2, NM_001164538.2 and 9 more transcripts); c.1391C>T, p.Pro464Leu (NM_001164537.2); c.245C>T, p.Pro82Leu (NM_001164556.2); c.1268+17090C>T (NM_001164540.2); short protein forms P464L, P82L, P432L.
Identifiers: ClinVar variation 771692 (VCV000771692.7), dbSNP rs78792190, ClinGen allele CA1453877.
Genomic context (GRCh38, chr1:231,767,166, plus strand): 5'-CATACCTGTACCAATAGGTATGTGTTGTTTTAAGGGCCAGCGGAGATGACACCCACACCC[C>T]ACTGAGAATGGAGCCGAGGCTGTTGGAACCCACTGCTCAGGACAGCTTGCACGTGTCCAT-3'
Protein context (NP_061132.2, residues 422-442): QQASGDDTHT[Pro432Leu]LRMEPRLLEP

ClinVar aggregate classification (germline): Likely benign. Review status: criteria provided, multiple submitters, no conflicts (2 of 4 stars). 3 submissions from 3 submitters: Likely benign (2). 1 of the submissions does not count toward it. Last evaluated 2019-12-31.

Conditions:
DISC1-related disorder. Also called: DISC1-related condition.

Allele frequency attached by ClinVar (database versions not stated): 1000 Genomes Project 30x 0.00109; 1000 Genomes Project 0.00120; ExAC 0.00203; gnomAD exomes 0.00210 and 0.00335; gnomAD 0.00247 and 0.00255; TOPMed 0.00263; ESP Exome Variant Server 0.00284.
gnomAD v4.1: 5,275 of 1,614,218 alleles (0.33%); highest among the groups gnomAD compares: Non-Finnish European, 0.41%; 14 homozygotes.

Submissions (3):

Labcorp Genetics (formerly Invitae), Labcorp
Classification: Likely benign. Last evaluated: 2019-12-31. Review status: criteria provided, single submitter. Criteria: Invitae Variant Classification Sherloc (09022015). Collection method: clinical testing. Allele origin: germline.

Breakthrough Genomics
Classification: Likely benign. Review status: criteria provided, single submitter. Criteria: ACMG Guidelines, 2015. Collection method: not provided. Allele origin: germline. Inheritance: Unknown mechanism. Affected: yes.

PreventionGenetics, part of Exact Sciences
Classification: Likely benign for DISC1-related condition. Last evaluated: 2020-02-03. Review status: no assertion criteria provided. Collection method: clinical testing. Allele origin: germline. Not counted in ClinVar's aggregate classification.
Comment: This variant is classified as likely benign based on ACMG/AMP sequence variant interpretation guidelines (Richards et al. 2015 PMID: 25741868, with internal and published modifications).